The following is an entry in ClinVar:

NM_000264.5(PTCH1):c.1903G>C (p.Asp635His)

Genes: PTCH1 (patched 1; minus strand), LOC100507346 (uncharacterized LOC100507346; plus strand). Cytogenetic location: 9q22.32.
Variant type: single nucleotide variant.
Coding change: c.1903G>C on transcript NM_000264.5 (MANE Select); coding-DNA position 1903, G replaced by C.
Protein change: p.Asp635His; replaces aspartic acid 635 with histidine.
Molecular consequence: missense variant. On other transcripts: non-coding transcript variant (2).
Genome position (GRCh38, 1-based): chr9:95,469,098, C>G on the plus strand (G>C on the coding strand, the complement: PTCH1 is on the minus strand). VCF-style: chr9-95469098-C-G. GRCh37 (hg19) VCF-style: chr9-98231380-C-G.
Other names: c.1705G>C, p.Asp569His (NM_001083602.3); c.1900G>C, p.Asp634His (NM_001083603.3); c.1450G>C, p.Asp484His (NM_001083604.3, NM_001083605.3, NM_001083606.3 and 1 more transcripts); c.1747G>C, p.Asp583His (NM_001354918.2); short protein forms D634H, D569H, D635H, D484H, D583H.
Identifiers: ClinVar variation 2912249 (VCV002912249.4), dbSNP rs372555269, ClinGen allele CA374116079.

ClinVar aggregate classification (germline): Uncertain significance. Review status: criteria provided, multiple submitters, no conflicts (2 of 4 stars). 2 submissions from 2 submitters: Uncertain significance (2). Last evaluated 2024-08-19.

Conditions:
Hereditary cancer-predisposing syndrome. Also called: Neoplastic Syndromes, Hereditary; Tumor predisposition; Hereditary neoplastic syndrome; Hereditary Cancer Syndrome. Identifiers: Orphanet 140162, MedGen C0027672, MeSH D009386, MONDO:0015356.
Gorlin syndrome. Also called: Basal cell nevus syndrome; Nevoid Basal Cell Carcinoma Syndrome. Identifiers: Orphanet 377, MedGen C0004779, MONDO:0007187.

Submissions (2):

Ambry Genetics
Classification: Uncertain significance for Hereditary cancer-predisposing syndrome. Last evaluated: 2024-08-19. Review status: criteria provided, single submitter. Criteria: Ambry Variant Classification Scheme 2023. Collection method: clinical testing. Allele origin: germline.
Comment: The p.D635H variant (also known as c.1903G>C), located in coding exon 14 of the PTCH1 gene, results from a G to C substitution at nucleotide position 1903. The aspartic acid at codon 635 is replaced by histidine, an amino acid with similar properties. This amino acid position is conserved. In addition, this alteration is predicted to be tolerated by in silico analysis. Based on the available evidence, the clinical significance of this variant remains unclear.

Labcorp Genetics (formerly Invitae), Labcorp
Classification: Uncertain significance for Gorlin syndrome. Last evaluated: 2023-09-17. Review status: criteria provided, single submitter. Criteria: Invitae Variant Classification Sherloc (09022015). Collection method: clinical testing. Allele origin: germline.
Comment: This variant has not been reported in the literature in individuals affected with PTCH1-related conditions. This variant is not present in population databases (gnomAD no frequency). This sequence change replaces aspartic acid, which is acidic and polar, with histidine, which is basic and polar, at codon 635 of the PTCH1 protein (p.Asp635His). Advanced modeling of protein sequence and biophysical properties (such as structural, functional, and spatial information, amino acid conservation, physicochemical variation, residue mobility, and thermodynamic stability) performed at Invitae indicates that this missense variant is not expected to disrupt PTCH1 protein function. In summary, the available evidence is currently insufficient to determine the role of this variant in disease. Therefore, it has been classified as a Variant of Uncertain Significance.